The following is an entry in ClinVar:

NM_001048174.2(MUTYH):c.233A>T (p.Gln78Leu)

Gene: MUTYH (mutY DNA glycosylase; minus strand). Cytogenetic location: 1p34.1.
Variant type: single nucleotide variant.
Coding change: c.233A>T on transcript NM_001048174.2 (MANE Select); coding-DNA position 233, A replaced by T.
Protein change: p.Gln78Leu; replaces glutamine 78 with leucine.
Molecular consequence: missense variant. On other transcripts: 5 prime UTR variant (4), non-coding transcript variant (2).
Genome position (GRCh38, 1-based): chr1:45,333,444, T>A on the plus strand (A>T on the coding strand, the complement: MUTYH is on the minus strand). VCF-style: chr1-45333444-T-A. GRCh37 (hg19) VCF-style: chr1-45799116-T-A.
Other names: c.233A>T, p.Gln78Leu (NM_001048171.2, NM_001048173.2, NM_001293195.2); c.236A>T, p.Gln79Leu (NM_001048172.2); c.317A>T, p.Gln106Leu (NM_001128425.2); c.278A>T, p.Gln93Leu (NM_001293190.2); c.266A>T, p.Gln89Leu (NM_001293191.2); c.-44A>T (NM_001293192.2, NM_001293196.2); c.-39A>T (NM_001350650.2, NM_001350651.2); c.308A>T, p.Gln103Leu (NM_012222.3); short protein forms Q106L, Q78L, Q93L, Q103L, Q79L, Q89L.
Identifiers: ClinVar variation 481807 (VCV000481807.20), dbSNP rs1553130148, ClinGen allele CA340136390.

ClinVar aggregate classification (germline): Conflicting classifications of pathogenicity. Review status: criteria provided, conflicting classifications (1 of 4 stars). 4 submissions from 4 submitters: Uncertain significance (3); Benign (1). Last evaluated 2025-11-09.

Conditions:
Hereditary cancer-predisposing syndrome. Also called: Hereditary neoplastic syndrome; Hereditary Cancer Syndrome; Neoplastic Syndromes, Hereditary; Tumor predisposition. Identifiers: Orphanet 140162, MedGen C0027672, MeSH D009386, MONDO:0015356.
Familial adenomatous polyposis 2. Also called: MYH-associated polyposis; COLORECTAL ADENOMATOUS POLYPOSIS, AUTOSOMAL RECESSIVE; ADENOMAS, MULTIPLE COLORECTAL, AUTOSOMAL RECESSIVE; MUTYH-related attenuated familial adenomatous polyposis; Adenomas, multiple colorectal; FAP type 2. Identifiers: Orphanet 220460, Orphanet 247798, MedGen C3272841, MONDO:0012041, OMIM 608456.

Allele frequency attached by ClinVar (database versions not stated): gnomAD exomes below 0.00001.
gnomAD v4.1: 2 of 1,614,242 alleles (0.00012%); highest among the groups gnomAD compares: Non-Finnish European, 0.00017%; no homozygotes.

Submissions (4):

Labcorp Genetics (formerly Invitae), Labcorp
Classification: Uncertain significance for Familial adenomatous polyposis 2. Last evaluated: 2025-11-09. Review status: criteria provided, single submitter. Criteria: Invitae Variant Classification Sherloc (09022015). Collection method: clinical testing. Allele origin: germline.
Comment: This sequence change replaces glutamine, which is neutral and polar, with leucine, which is neutral and non-polar, at codon 106 of the MUTYH protein (p.Gln106Leu). This variant is not present in population databases (gnomAD no frequency). This variant has not been reported in the literature in individuals affected with MUTYH-related conditions. ClinVar contains an entry for this variant (Variation ID: 481807). An algorithm developed to predict the effect of missense changes on protein structure and function outputs the following: PolyPhen-2: "Benign". The leucine amino acid residue is found in multiple mammalian species, which suggests that this missense change does not adversely affect protein function. In summary, the available evidence is currently insufficient to determine the role of this variant in disease. Therefore, it has been classified as a Variant of Uncertain Significance.

Ambry Genetics
Classification: Benign for Hereditary cancer-predisposing syndrome. Last evaluated: 2025-09-09. Review status: criteria provided, single submitter. Criteria: Ambry Variant Classification Scheme 2023. Collection method: clinical testing. Allele origin: germline.

Color Diagnostics, LLC DBA Color Health
Classification: Uncertain significance for Hereditary cancer-predisposing syndrome. Last evaluated: 2023-12-05. Review status: criteria provided, single submitter. Criteria: ACMG Guidelines, 2015. Collection method: clinical testing. Allele origin: germline.
Comment: This missense variant replaces glutamine with leucine at codon 106 of the MUTYH protein. Computational prediction suggests that this variant may not impact protein structure and function (internally defined REVEL score threshold <= 0.5, PMID: 27666373). To our knowledge, functional studies have not been reported for this variant. This variant has not been reported in individuals affected with MUTYH-related disorders in the literature. This variant has not been identified in the general population by the Genome Aggregation Database (gnomAD). The available evidence is insufficient to determine the role of this variant in disease conclusively. Therefore, this variant is classified as a Variant of Uncertain Significance.

Baylor Genetics
Classification: Uncertain significance for Familial adenomatous polyposis 2. Last evaluated: 2023-11-22. Review status: criteria provided, single submitter. Criteria: ACMG Guidelines, 2015. Collection method: clinical testing. Allele origin: unknown.